The following is an entry in ClinVar:

NM_001367624.2(ZNF469):c.9269G>A (p.Arg3090Gln)

Gene: ZNF469 (zinc finger protein 469; plus strand). Cytogenetic location: 16q24.2.
Variant type: single nucleotide variant.
Coding change: c.9269G>A on transcript NM_001367624.2 (MANE Select); coding-DNA position 9269, G replaced by A.
Protein change: p.Arg3090Gln; replaces arginine 3090 with glutamine.
Molecular consequence: missense variant.
Genome position (GRCh38, 1-based): chr16:88,436,739, G>A. VCF-style: chr16-88436739-G-A. GRCh37 (hg19) VCF-style: chr16-88503147-G-A.
Other names: NM_001127464.1:c.9185G>A; p.Arg3090Gln; short protein forms R3090Q.
Identifiers: ClinVar variation 1204076 (VCV001204076.15), dbSNP rs751447615, ClinGen allele CA8225422.

ClinVar aggregate classification (germline): Conflicting classifications of pathogenicity. Review status: criteria provided, conflicting classifications (1 of 4 stars). 6 submissions from 6 submitters: Uncertain significance (5); Likely benign (1). Last evaluated 2025-09-05.

Conditions:
Cardiovascular phenotype. Identifiers: MedGen CN230736.

Allele frequency attached by ClinVar (database versions not stated): gnomAD 0.00007; gnomAD exomes 0.00007 and 0.00016; TOPMed 0.00009; ExAC 0.00021.
gnomAD v4.1: 232 of 1,548,450 alleles (0.015%); highest among the groups gnomAD compares: Non-Finnish European, 0.02%; no homozygotes.

Submissions (6):

Mayo Clinic Laboratories, Mayo Clinic
Classification: Uncertain significance. Last evaluated: 2025-09-05. Review status: criteria provided, single submitter. Criteria: ACMG Guidelines, 2015. Collection method: clinical testing. Allele origin: germline. Observed: 2 variant alleles.
Comment: BP4_moderate

Ambry Genetics
Classification: Uncertain significance for Cardiovascular phenotype. Last evaluated: 2025-04-13. Review status: criteria provided, single submitter. Criteria: Ambry Variant Classification Scheme 2023. Collection method: clinical testing. Allele origin: germline.

Women's Health and Genetics/Laboratory Corporation of America, LabCorp
Classification: Uncertain significance. Last evaluated: 2025-03-18. Review status: criteria provided, single submitter. Criteria: LabCorp Variant Classification Summary - May 2015. Collection method: clinical testing. Allele origin: germline.
Comment: Variant summary: ZNF469 c.9269G>A (p.Arg3090Gln) results in a conservative amino acid change in the encoded protein sequence. Four of four in-silico tools predict a benign effect of the variant on protein function. The variant allele was found at a frequency of 6.7e-05 in 149006 control chromosomes. This frequency is not significantly higher than estimated for a pathogenic variant in ZNF469 causing Brittle cornea syndrome 1, allowing no conclusion about variant significance. To our knowledge, no occurrence of c.9269G>A in individuals affected with Brittle cornea syndrome 1 and no experimental evidence demonstrating its impact on protein function have been reported. ClinVar contains an entry for this variant (Variation ID: 1204076). Based on the evidence outlined above, the variant was classified as uncertain significance.

Blueprint Genetics
Classification: Likely benign. Last evaluated: 2024-11-06. Review status: criteria provided, single submitter. Criteria: ACMG Guidelines, 2015. Collection method: clinical testing. Allele origin: germline.

GeneDx
Classification: Uncertain significance. Last evaluated: 2024-01-30. Review status: criteria provided, single submitter. Criteria: GeneDx Variant Classification Process June 2021. Collection method: clinical testing. Allele origin: germline. Affected: yes.
Comment: In silico analysis supports that this missense variant does not alter protein structure/function; Has not been previously published as pathogenic or benign to our knowledge

Labcorp Genetics (formerly Invitae), Labcorp
Classification: Uncertain significance. Last evaluated: 2022-07-30. Review status: criteria provided, single submitter. Criteria: Invitae Variant Classification Sherloc (09022015). Collection method: clinical testing. Allele origin: germline.
Comment: This sequence change replaces arginine, which is basic and polar, with glutamine, which is neutral and polar, at codon 3062 of the ZNF469 protein (p.Arg3062Gln). This variant is present in population databases (rs751447615, gnomAD 0.02%). This variant has not been reported in the literature in individuals affected with ZNF469-related conditions. ClinVar contains an entry for this variant (Variation ID: 1204076). Algorithms developed to predict the effect of missense changes on protein structure and function output the following: SIFT: "Tolerated"; PolyPhen-2: "Benign"; Align-GVGD: "Class C0". The glutamine amino acid residue is found in multiple mammalian species, which suggests that this missense change does not adversely affect protein function. In summary, the available evidence is currently insufficient to determine the role of this variant in disease. Therefore, it has been classified as a Variant of Uncertain Significance.